The following is an entry in ClinVar:

NM_005445.4(SMC3):c.424G>A (p.Gly142Arg)

Gene: SMC3 (structural maintenance of chromosomes 3; plus strand). Cytogenetic location: 10q25.2.
Variant type: single nucleotide variant.
Coding change: c.424G>A on transcript NM_005445.4 (MANE Select); coding-DNA position 424, G replaced by A.
Protein change: p.Gly142Arg; replaces glycine 142 with arginine.
Molecular consequence: missense variant.
Genome position (GRCh38, 1-based): chr10:110,578,701, G>A. VCF-style: chr10-110578701-G-A. GRCh37 (hg19) VCF-style: chr10-112338459-G-A.
Other names: short protein forms G142R.
Identifiers: ClinVar variation 465778 (VCV000465778.9), dbSNP rs1554882316, ClinGen allele CA378374140.

ClinVar aggregate classification (germline): Uncertain significance (1 of 4 stars; one submission).

Conditions:
Cornelia de Lange syndrome 3 (CDLS3). Also called: SMC3-Related Cornelia de Lange Syndrome; CORNELIA DE LANGE SYNDROME 3 WITH OR WITHOUT MIDLINE BRAIN DEFECTS. Identifiers: Orphanet 199, MedGen C1853099, MONDO:0012555, OMIM 610759.

Submission:

Labcorp Genetics (formerly Invitae), Labcorp
Classification: Uncertain significance for Cornelia de Lange syndrome 3. Last evaluated: 2017-05-26. Review status: criteria provided, single submitter. Criteria: Invitae Variant Classification Sherloc (09022015). Collection method: clinical testing. Allele origin: germline.
Comment: In summary, this variant has uncertain impact on SMC3 function. The available evidence is currently insufficient to determine its role in disease. Therefore, it has been classified as a Variant of Uncertain Significance. Algorithms developed to predict the effect of missense changes on protein structure and function do not agree on the potential impact of this missense change (SIFT: "Deleterious"; PolyPhen-2: "Probably Damaging"; Align-GVGD: "Class C15"). This variant has not been reported in the literature in individuals with a SMC3-related disease. This variant is not present in population databases (ExAC no frequency). This sequence change replaces glycine with arginine at codon 142 of the SMC3 protein (p.Gly142Arg). The glycine residue is highly conserved and there is a moderate physicochemical difference between glycine and arginine.